The following is an entry in ClinVar:

NM_173477.5(USH1G):c.1231G>A (p.Glu411Lys)

Gene: USH1G (USH1 protein network component sans; minus strand). Cytogenetic location: 17q25.1.
Variant type: single nucleotide variant.
Coding change: c.1231G>A on transcript NM_173477.5 (MANE Select); coding-DNA position 1231, G replaced by A.
Protein change: p.Glu411Lys; replaces glutamic acid 411 with lysine.
Molecular consequence: missense variant.
Genome position (GRCh38, 1-based): chr17:74,919,605, C>T on the plus strand (G>A on the coding strand, the complement: USH1G is on the minus strand). VCF-style: chr17-74919605-C-T. GRCh37 (hg19) VCF-style: chr17-72915700-C-T.
Other names: c.922G>A, p.Glu308Lys (NM_001282489.3); short protein forms E308K, E411K.
Identifiers: ClinVar variation 1036613 (VCV001036613.10), dbSNP rs1220105000, ClinGen allele CA400961406.
Genomic context (GRCh38, chr17:74,919,605, plus strand): 5'-CGCTGATGCTGCGGAGGTCGAGGTCAGAGCACAGCATCAAAGCCTCGAGGTCGATCTTCT[C>T]CTGCCGCAGGAGGGCGGCAAAGTCCTCCATGTGCAGAGAGGCCAGGAAGGTCTCCAGCGG-3'
Protein context (NP_775748.2, residues 401-421): MEDFAALLRQ[Glu411Lys]KIDLEALMLC

ClinVar aggregate classification (germline): Uncertain significance (1 of 4 stars; one submission).

Allele frequency attached by ClinVar (database versions not stated): gnomAD exomes below 0.00001; TOPMed below 0.00001; gnomAD 0.00001.
gnomAD v4.1: 3 of 1,612,682 alleles (0.00019%); highest among the groups gnomAD compares: African/African-American, 0.0027%; no homozygotes.

Submission:

Labcorp Genetics (formerly Invitae), Labcorp
Classification: Uncertain significance. Last evaluated: 2022-07-11. Review status: criteria provided, single submitter. Criteria: Invitae Variant Classification Sherloc (09022015). Collection method: clinical testing. Allele origin: germline.
Comment: In summary, the available evidence is currently insufficient to determine the role of this variant in disease. Therefore, it has been classified as a Variant of Uncertain Significance. Algorithms developed to predict the effect of missense changes on protein structure and function are either unavailable or do not agree on the potential impact of this missense change (SIFT: "Not Available"; PolyPhen-2: "Probably Damaging"; Align-GVGD: "Not Available"). ClinVar contains an entry for this variant (Variation ID: 1036613). This variant has not been reported in the literature in individuals affected with USH1G-related conditions. This variant is present in population databases (no rsID available, gnomAD 0.01%). This sequence change replaces glutamic acid, which is acidic and polar, with lysine, which is basic and polar, at codon 411 of the USH1G protein (p.Glu411Lys).